The following is an entry in ClinVar:

ClinVar aggregate classification (germline): Likely benign (1 of 4 stars; one submission).

Submission:

CeGaT Center for Human Genetics Tuebingen
Classification: Likely benign. Last evaluated: 2026-09-01. Review status: criteria provided, single submitter. Criteria: CeGaT Center For Human Genetics Tuebingen Variant Classification Criteria Version 2. Collection method: clinical testing. Allele origin: germline. Affected: yes. Observed: 2 variant alleles.
Comment: SCNM1: BP4, BS2; TNFAIP8L2-SCNM1: BP4, BS2

NM_024041.4(SCNM1):c.511G>A (p.Glu171Lys)

Genes: SCNM1 (sodium channel modifier 1; plus strand), TNFAIP8L2-SCNM1 (TNFAIP8L2-SCNM1 readthrough; plus strand). Cytogenetic location: 1q21.3.
Variant type: single nucleotide variant.
Coding change: c.511G>A on transcript NM_024041.4 (MANE Select); coding-DNA position 511, G replaced by A.
Protein change: p.Glu171Lys; replaces glutamic acid 171 with lysine.
Molecular consequence: missense variant. On other transcripts: non-coding transcript variant (2).
Genome position (GRCh38, 1-based): chr1:151,168,256, G>A. VCF-style: chr1-151168256-G-A. GRCh37 (hg19) VCF-style: chr1-151140732-G-A.
Other names: c.406G>A, p.Glu136Lys (NM_001204848.2, NM_001204856.2); short protein forms E136K, E171K.
Identifiers: ClinVar variation 4820875 (VCV004820875.4).